The following is an entry in ClinVar:

NM_174934.4(SCN4B):c.620G>T (p.Gly207Val)

Gene: SCN4B (sodium voltage-gated channel beta subunit 4; minus strand). Cytogenetic location: 11q23.3.
Variant type: single nucleotide variant.
Coding change: c.620G>T on transcript NM_174934.4 (MANE Select); coding-DNA position 620, G replaced by T.
Protein change: p.Gly207Val; replaces glycine 207 with valine.
Molecular consequence: missense variant. On other transcripts: non-coding transcript variant (1).
Genome position (GRCh38, 1-based): chr11:118,137,094, C>A on the plus strand (G>T on the coding strand, the complement: SCN4B is on the minus strand). VCF-style: chr11-118137094-C-A. GRCh37 (hg19) VCF-style: chr11-118007809-C-A.
Other names: c.218G>T, p.Gly73Val (NM_001142348.2); c.290G>T, p.Gly97Val (NM_001142349.2); short protein forms G207V, G97V, G73V.
Identifiers: ClinVar variation 3014453 (VCV003014453.3), dbSNP rs2497549073, ClinGen allele CA382776608.

ClinVar aggregate classification (germline): Uncertain significance (1 of 4 stars; one submission).

Conditions:
Long QT syndrome 10 (LQT10). Identifiers: Orphanet 101016, Orphanet 768, MedGen C2678484, MONDO:0012737, OMIM 611819.

Allele frequency attached by ClinVar (database versions not stated): gnomAD exomes below 0.00001.
gnomAD v4.1: 2 of 1,613,944 alleles (0.00012%); highest among the groups gnomAD compares: Non-Finnish European, 0.00017%; no homozygotes.

Submission:

Labcorp Genetics (formerly Invitae), Labcorp
Classification: Uncertain significance for Long QT syndrome 10. Last evaluated: 2023-06-29. Review status: criteria provided, single submitter. Criteria: Invitae Variant Classification Sherloc (09022015). Collection method: clinical testing. Allele origin: germline.
Comment: This sequence change replaces glycine, which is neutral and non-polar, with valine, which is neutral and non-polar, at codon 207 of the SCN4B protein (p.Gly207Val). This variant is not present in population databases (gnomAD no frequency). This variant has not been reported in the literature in individuals affected with SCN4B-related conditions. An algorithm developed to predict the effect of missense changes on protein structure and function (PolyPhen-2) suggests that this variant is likely to be disruptive. In summary, the available evidence is currently insufficient to determine the role of this variant in disease. Therefore, it has been classified as a Variant of Uncertain Significance.